The following is an entry in ClinVar:

ClinVar aggregate classification (germline): Likely benign. Review status: criteria provided, multiple submitters, no conflicts (2 of 4 stars). 4 submissions from 4 submitters: Likely benign (4). Last evaluated 2026-05-27.

Conditions:
PDE6B-related disorder. Also called: PDE6B-related disease; PDE6B-related condition; PDE6B-related disorders.
Inborn genetic diseases. Identifiers: MedGen C0950123, MeSH D030342.

Allele frequency attached by ClinVar (database versions not stated): ExAC 0.00001; gnomAD 0.00006; TOPMed 0.00015; 1000 Genomes Project 0.00040; 1000 Genomes Project 30x 0.00047.
gnomAD v4.1: 27 of 1,613,218 alleles (0.0017%); highest among the groups gnomAD compares: Admixed American, 0.017%; no homozygotes.

Submissions (4):

PreventionGenetics, part of Exact Sciences
Classification: Likely benign for PDE6B-related condition. Last evaluated: 2026-05-27. Review status: criteria provided, single submitter. Criteria: ACMG Guidelines, 2015. Collection method: clinical testing. Allele origin: germline.
Comment: This variant is classified as likely benign based on ACMG/AMP sequence variant interpretation guidelines (Richards et al. 2015 PMID: 25741868, with internal and published modifications).

Labcorp Genetics (formerly Invitae), Labcorp
Classification: Likely benign. Last evaluated: 2025-11-24. Review status: criteria provided, single submitter. Criteria: Invitae Variant Classification Sherloc (09022015). Collection method: clinical testing. Allele origin: germline.

Ambry Genetics
Classification: Likely benign for Inborn genetic diseases. Last evaluated: 2025-02-25. Review status: criteria provided, single submitter. Criteria: Ambry Variant Classification Scheme 2023. Collection method: clinical testing. Allele origin: germline.

Blueprint Genetics
Classification: Likely benign. Last evaluated: 2022-04-01. Review status: criteria provided, single submitter. Criteria: ACMG Guidelines, 2015. Collection method: clinical testing. Allele origin: germline.

NM_000283.4(PDE6B):c.1449C>T (p.Asp483=)

Gene: PDE6B (phosphodiesterase 6B; plus strand). Cytogenetic location: 4p16.3.
Variant type: single nucleotide variant.
Coding change: c.1449C>T on transcript NM_000283.4 (MANE Select); coding-DNA position 1449, C replaced by T.
Protein change: p.Asp483=; no amino-acid change (aspartic acid 483 retained).
Molecular consequence: synonymous variant.
Genome position (GRCh38, 1-based): chr4:658,999, C>T. VCF-style: chr4-658999-C-T. GRCh37 (hg19) VCF-style: chr4-652788-C-T.
Other names: c.1449C>T (NM_000283.3); c.1449C>T, p.Asp483= (NM_001145291.2); c.612C>T, p.Asp204= (NM_001145292.2, NM_001350154.3, NM_001379246.1 and 1 more transcripts); c.294C>T, p.Asp98= (NM_001350155.3).
Identifiers: ClinVar variation 1122772 (VCV001122772.12), dbSNP rs202073030, ClinGen allele CA2794526.